The following is an entry in ClinVar:

ClinVar aggregate classification (germline): Likely pathogenic. Review status: criteria provided, multiple submitters, no conflicts (2 of 4 stars). 3 submissions from 3 submitters: Likely pathogenic (2). 1 of the submissions does not count toward it. Last evaluated 2023-09-25.

Conditions:
ZNF292-related disorder. Also called: ZNF292-related condition.
Neurodevelopmental disorder. Identifiers: MedGen C1535926, MeSH D065886, MONDO:0700092.

Submissions (3):

PreventionGenetics, part of Exact Sciences
Classification: Likely pathogenic for ZNF292-related condition. Last evaluated: 2023-09-25. Review status: criteria provided, single submitter. Criteria: ACMG Guidelines, 2015. Collection method: clinical testing. Allele origin: germline.
Comment: The ZNF292 c.1897C>T variant is predicted to result in premature protein termination (p.Arg633*). This variant was reported in a study of individuals with neurodevelopmental disorders, however additional clinical details nor inheritance were reported (Supplementary Data 4 and 5, Wang et al. 2020. PubMed ID: 33004838). This variant has not been reported in a large population database, indicating this variant is rare. Nonsense variants in ZNF292 are expected to be pathogenic. This variant is interpreted as likely pathogenic.

GeneDx
Classification: Likely pathogenic. Last evaluated: 2023-09-01. Review status: criteria provided, single submitter. Criteria: GeneDx Variant Classification Process June 2021. Collection method: clinical testing. Allele origin: germline. Affected: yes.
Comment: Observed in an individual with a neurodevelopmental disorder, but additional clinical information was not included (Wang et al., 2020); Nonsense variant predicted to result in protein truncation, as the last 2091 amino acids are lost, and other loss-of-function variants have been reported downstream in HGMD; Not observed at significant frequency in large population cohorts (gnomAD); This variant is associated with the following publications: (PMID: 33004838)

University of Washington Center for Mendelian Genomics, University of Washington
Classification: Uncertain significance for Neurodevelopmental disorder. Review status: no assertion criteria provided. Collection method: research. Allele origin: paternal. Affected: yes. Not counted in ClinVar's aggregate classification.

Literature cited by the submitters: PubMed 31723249 (cited by University of Washington Center for Mendelian Genomics, University of Washington).

NM_015021.3(ZNF292):c.1897C>T (p.Arg633Ter)

Gene: ZNF292 (zinc finger protein 292; plus strand). Cytogenetic location: 6q14.3.
Variant type: single nucleotide variant.
Coding change: c.1897C>T on transcript NM_015021.3 (MANE Select); coding-DNA position 1897, C replaced by T.
Protein change: p.Arg633Ter; replaces arginine 633 with a stop codon.
Molecular consequence: nonsense.
Genome position (GRCh38, 1-based): chr6:87,255,526, C>T. VCF-style: chr6-87255526-C-T. GRCh37 (hg19) VCF-style: chr6-87965244-C-T.
Other names: c.1477C>T, p.Arg493Ter (NM_001351444.2); c.1897C>T (NM_015021.1); short protein forms R493*, R633*.
Identifiers: ClinVar variation 982202 (VCV000982202.4), dbSNP rs1775161294, ClinGen allele CA364910838.
Genomic context (GRCh38, chr6:87,255,526, plus strand): 5'-CCAAAGATCACAACTACCAATGAAAATCAGAAGACTAATACTGTGGCTAAACAGGAGCAG[C>T]GACCTATAAAAAAGAATAGTCTCTATTCAACAGATTTTATAGTGTTTAATGACAATGATG-3'